The following is an entry in ClinVar:

ClinVar aggregate classification (germline): Pathogenic (1 of 4 stars; one submission).

Conditions:
Deficiency of alpha-mannosidase (MANSA). Also called: Alpha-Mannosidosis; LYSOSOMAL ALPHA-D-MANNOSIDASE DEFICIENCY; Mannosidosis, alpha-, types I and II. Identifiers: Orphanet 61, MedGen C0024748, MONDO:0009561, OMIM 248500.

Submission:

Labcorp Genetics (formerly Invitae), Labcorp
Classification: Pathogenic for Deficiency of alpha-mannosidase. Last evaluated: 2021-01-18. Review status: criteria provided, single submitter. Criteria: Invitae Variant Classification Sherloc (09022015). Collection method: clinical testing. Allele origin: germline.
Comment: For these reasons, this variant has been classified as Pathogenic. Algorithms developed to predict the effect of sequence changes on RNA splicing suggest that this variant may create or strengthen a splice site, but this prediction has not been confirmed by published transcriptional studies. This variant has not been reported in the literature in individuals with MAN2B1-related conditions. This variant is not present in population databases (ExAC no frequency). This sequence change creates a premature translational stop signal (p.Val838Glyfs*89) in the MAN2B1 gene. It is expected to result in an absent or disrupted protein product. Loss-of-function variants in MAN2B1 are known to be pathogenic (PMID: 9915946, 22161967).

Literature cited by the submitters: PubMed 9915946; PubMed 22161967.

NM_000528.4(MAN2B1):c.2512_2513insGGCGCGGG (p.Val838fs)

Gene: MAN2B1 (mannosidase alpha class 2B member 1; minus strand). Cytogenetic location: 19p13.13.
Variant type: Insertion.
Coding change: c.2512_2513insGGCGCGGG on transcript NM_000528.4 (MANE Select); coding-DNA positions 2512 to 2513, GGCGCGGG inserted.
Protein change: p.Val838fs; shifts the reading frame from valine 838.
Molecular consequence: frameshift variant.
Genome position: GRCh38 VCF-style: chr19-12648326-A-ACCCGCGCC. GRCh37 (hg19) VCF-style: chr19-12759140-A-ACCCGCGCC.
Other names: c.2509_2510insGGCGCGGG, p.Val837fs (NM_001173498.2); short protein forms V838fs, V837fs.
Identifiers: ClinVar variation 1418789 (VCV001418789.6), dbSNP rs2145225515, ClinGen allele CA2573156061.
Genomic context (GRCh38, chr19:12,648,326, plus strand): 5'-AGCCGGTGTCCGGCGGCTGCAGCCTGGGCTGTGTCCAGCAGCACCAGGTGGCGCCCTCGC[A>ACCCGCGCC]CCCACGCCCCCGACCCGTTCTCCATTAGTGGCTCCGATACTCCGCGTCCATCGTCCTTCA-3'